The following is an entry in ClinVar:

ClinVar aggregate classification (germline): Pathogenic. Review status: criteria provided, multiple submitters, no conflicts (2 of 4 stars). 2 submissions from 2 submitters: Pathogenic (2). Last evaluated 2025-12-12.

Conditions:
Episodic ataxia type 2 (EA2). Also called: CEREBELLAR ATAXIA, PAROXYSMAL, ACETAZOLAMIDE-RESPONSIVE; CEREBELLOPATHY, HEREDITARY PAROXYSMAL; EPISODIC ATAXIA, NYSTAGMUS-ASSOCIATED; ACETAZOLAMIDE-RESPONSIVE HEREDITARY PAROXYSMAL CEREBELLAR ATAXIA; ATAXIA, EPISODIC, WITH NYSTAGMUS; ATAXIA, FAMILIAL PAROXYSMAL. Identifiers: Orphanet 97, MedGen C1720416, MONDO:0007163, OMIM 108500.
Developmental and epileptic encephalopathy, 42 (DEE42A). Also called: Epileptic encephalopathy, early infantile, 42; DEVELOPMENTAL AND EPILEPTIC ENCEPHALOPATHY 42A; EPILEPTIC ENCEPHALOPATHY, EARLY INFANTILE, 42A. Identifiers: MedGen C4310716, MONDO:0014917, OMIM 617106.
Paroxysmal central nervous system disorders.

Submissions (2):

Genetics Laboratory, Great Ormond Street Hospital NHS Foundation Trust, North Thames Genomic Laboratory Hub
Classification: Pathogenic for Paroxysmal central nervous system disorders. Last evaluated: 2025-12-12. Review status: criteria provided, single submitter. Criteria: ACGS Best Practice Guidelines for Variant Classification in Rare Disease 2024 v1.2. Collection method: clinical testing. Allele origin: germline. Affected: yes.
Comment: PM2_moderate, PVS1_very-strong

Labcorp Genetics (formerly Invitae), Labcorp
Classification: Pathogenic for Developmental and epileptic encephalopathy, 42; Episodic ataxia type 2. Last evaluated: 2023-09-22. Review status: criteria provided, single submitter. Criteria: Invitae Variant Classification Sherloc (09022015). Collection method: clinical testing. Allele origin: germline.
Comment: This sequence change creates a premature translational stop signal (p.Ala885Thrfs*14) in the CACNA1A gene. It is expected to result in an absent or disrupted protein product. Loss-of-function variants in CACNA1A are known to be pathogenic (PMID: 10371528, 19486177, 25735478, 27250579). This variant is not present in population databases (gnomAD no frequency). This variant has not been reported in the literature in individuals affected with CACNA1A-related conditions. For these reasons, this variant has been classified as Pathogenic.

Literature cited by the submitters: PubMed 10371528 (cited by Labcorp Genetics (formerly Invitae), Labcorp); PubMed 19486177 (cited by Labcorp Genetics (formerly Invitae), Labcorp); PubMed 25735478 (cited by Labcorp Genetics (formerly Invitae), Labcorp); PubMed 27250579 (cited by Labcorp Genetics (formerly Invitae), Labcorp).

NM_001127222.2(CACNA1A):c.2633_2649dup (p.Ala884fs)

Gene: CACNA1A (calcium voltage-gated channel subunit alpha1 A; minus strand). Cytogenetic location: 19p13.13.
Variant type: Duplication.
Coding change: c.2633_2649dup on transcript NM_001127222.2 (MANE Select); coding-DNA positions 2633 to 2649, 17 bases duplicated (ACGCACGGAGGCCCTGG).
Protein change: p.Ala884fs; shifts the reading frame from alanine 884.
Molecular consequence: frameshift variant.
Genome position (GRCh38, 1-based): chr19:13,298,984-13,299,000, CCAGGGCCTCCGTGCGT duplicated on the plus strand (ACGCACGGAGGCCCTGG on the coding strand, the reverse complement: CACNA1A is on the minus strand); duplicating any 17 consecutive bases within chr19:13,298,984-13,299,005 gives the same sequence; the c. name uses the placement nearest the transcript's 3' end. VCF-style (leftmost placement, unchanged base first): chr19-13298983-C-CCCAGGGCCTCCGTGCGT. GRCh37 (hg19) VCF-style: chr19-13409797-C-CCCAGGGCCTCCGTGCGT.
Other names: c.2645_2661dup, p.Ala888fs (NM_000068.4, NM_023035.3); c.2636_2652dup, p.Ala885fs (NM_001127221.2, NM_001174080.2); short protein forms A885fs, A884fs, A888fs.
Identifiers: ClinVar variation 2948766 (VCV002948766.4), dbSNP rs2512908132, ClinGen allele CA2740091943.